The following is an entry in ClinVar:

ClinVar aggregate classification (germline): Uncertain significance (1 of 4 stars; one submission).

Conditions:
RASopathy. Also called: Noonan spectrum disorder; rasopathies. Identifiers: Orphanet 536391, MedGen C5555857, MONDO:0021060.

Submission:

Labcorp Genetics (formerly Invitae), Labcorp
Classification: Uncertain significance for RASopathy. Last evaluated: 2022-03-02. Review status: criteria provided, single submitter. Criteria: Invitae Variant Classification Sherloc (09022015). Collection method: clinical testing. Allele origin: germline.
Comment: In summary, the available evidence is currently insufficient to determine the role of this variant in disease. Therefore, it has been classified as a Variant of Uncertain Significance. Algorithms developed to predict the effect of missense changes on protein structure and function are either unavailable or do not agree on the potential impact of this missense change (SIFT: "Deleterious"; PolyPhen-2: "Probably Damaging"; Align-GVGD: "Class C0"). This variant has not been reported in the literature in individuals affected with SHOC2-related conditions. This variant is not present in population databases (gnomAD no frequency). This sequence change replaces valine, which is neutral and non-polar, with methionine, which is neutral and non-polar, at codon 188 of the SHOC2 protein (p.Val188Met).

NM_007373.4(SHOC2):c.562G>A (p.Val188Met)

Gene: SHOC2 (SHOC2 leucine rich repeat scaffold protein; plus strand). Cytogenetic location: 10q25.2.
Variant type: single nucleotide variant.
Coding change: c.562G>A on transcript NM_007373.4 (MANE Select); coding-DNA position 562, G replaced by A.
Protein change: p.Val188Met; replaces valine 188 with methionine.
Molecular consequence: missense variant.
Genome position (GRCh38, 1-based): chr10:110,964,920, G>A. VCF-style: chr10-110964920-G-A. GRCh37 (hg19) VCF-style: chr10-112724678-G-A.
Other names: c.562G>A, p.Val188Met (NM_001269039.3, NM_001324336.2, NM_001324337.2); short protein forms V188M.
Identifiers: ClinVar variation 2421102 (VCV002421102.6), dbSNP rs1847644037, ClinGen allele CA378386040.